The following is an entry in ClinVar:

ClinVar aggregate classification (germline): Conflicting classifications of pathogenicity. Review status: criteria provided, conflicting classifications (1 of 4 stars). 2 submissions from 2 submitters: Uncertain significance (1); Likely benign (1). Last evaluated 2026-01-08.

Conditions:
Charcot-Marie-Tooth disease type 4. Also called: Charcot-Marie-Tooth disease, type IV; Charcot-Marie-Tooth, Type 4. Identifiers: Orphanet 64749, MedGen C4082197, MONDO:0018995.

Allele frequency attached by ClinVar (database versions not stated): gnomAD exomes 0.00002 and 0.00005; TOPMed 0.00004; gnomAD 0.00005; ExAC 0.00007; ESP Exome Variant Server 0.00008; 1000 Genomes Project 30x 0.00016; 1000 Genomes Project 0.00020.
gnomAD v4.1: 33 of 1,614,160 alleles (0.002%); highest among the groups gnomAD compares: Middle Eastern, 0.016%; no homozygotes.

Submissions (2):

Labcorp Genetics (formerly Invitae), Labcorp
Classification: Likely benign for Charcot-Marie-Tooth disease type 4. Last evaluated: 2026-01-08. Review status: criteria provided, single submitter. Criteria: Invitae Variant Classification Sherloc (09022015). Collection method: clinical testing. Allele origin: germline.

GeneDx
Classification: Uncertain significance. Last evaluated: 2025-03-20. Review status: criteria provided, single submitter. Criteria: GeneDx Variant Classification Process June 2021. Collection method: clinical testing. Allele origin: germline. Affected: yes.
Comment: In silico analysis indicates that this missense variant does not alter protein structure/function; Has not been previously published as pathogenic or benign to our knowledge

NM_024577.4(SH3TC2):c.935C>T (p.Ser312Leu)

Gene: SH3TC2 (SH3 domain and tetratricopeptide repeats 2; minus strand). Cytogenetic location: 5q32.
Variant type: single nucleotide variant.
Coding change: c.935C>T on transcript NM_024577.4 (MANE Select); coding-DNA position 935, C replaced by T.
Protein change: p.Ser312Leu; replaces serine 312 with leucine.
Molecular consequence: missense variant.
Genome position (GRCh38, 1-based): chr5:149,038,361, G>A on the plus strand (C>T on the coding strand, the complement: SH3TC2 is on the minus strand). VCF-style: chr5-149038361-G-A. GRCh37 (hg19) VCF-style: chr5-148417924-G-A.
Other names: short protein forms S312L.
Identifiers: ClinVar variation 543321 (VCV000543321.12), dbSNP rs151205080, ClinGen allele CA3499346.